The following is an entry in ClinVar:

ClinVar aggregate classification (germline): Uncertain significance (1 of 4 stars; one submission).

Conditions:
EGFR-related lung cancer (EGFR). Identifiers: MedGen CN130014.

Submission:

Labcorp Genetics (formerly Invitae), Labcorp
Classification: Uncertain significance for EGFR-related lung cancer. Last evaluated: 2022-04-22. Review status: criteria provided, single submitter. Criteria: Invitae Variant Classification Sherloc (09022015). Collection method: clinical testing. Allele origin: germline.
Comment: In summary, the available evidence is currently insufficient to determine the role of this variant in disease. Therefore, it has been classified as a Variant of Uncertain Significance. Algorithms developed to predict the effect of sequence changes on RNA splicing suggest that this variant may create or strengthen a splice site. This variant has not been reported in the literature in individuals affected with EGFR-related conditions. This variant is not present in population databases (gnomAD no frequency). This sequence change falls in intron 24 of the EGFR gene. It does not directly change the encoded amino acid sequence of the EGFR protein.

NM_005228.5(EGFR):c.2946+15C>A

Gene: EGFR (epidermal growth factor receptor; plus strand). Cytogenetic location: 7p11.2.
Variant type: single nucleotide variant.
Coding change: c.2946+15C>A on transcript NM_005228.5 (MANE Select); 15 bases into the intron after coding-DNA position 2946, C replaced by A.
Molecular consequence: intron variant.
Genome position (GRCh38, 1-based): chr7:55,200,428, C>A. VCF-style: chr7-55200428-C-A. GRCh37 (hg19) VCF-style: chr7-55268121-C-A.
Other names: c.2811+15C>A (NM_001346899.2, NM_001346897.2); c.2145+15C>A (NM_001346941.2); c.2946+15C>A (NM_001346898.2); c.2787+15C>A (NM_001346900.2).
Identifiers: ClinVar variation 2129173 (VCV002129173.4), dbSNP rs2128970052, ClinGen allele CA2580077353.